The following is an entry in ClinVar:

ClinVar aggregate classification (germline): Uncertain significance. Review status: criteria provided, multiple submitters, no conflicts (2 of 4 stars). 2 submissions from 2 submitters: Uncertain significance (2). Last evaluated 2026-03-01.

Allele frequency attached by ClinVar (database versions not stated): ExAC 0.00007; ESP Exome Variant Server 0.00008; gnomAD exomes 0.00011; gnomAD 0.00012.
gnomAD v4.1: 182 of 1,614,078 alleles (0.011%); highest among the groups gnomAD compares: East Asian, 0.022%; no homozygotes.

Submissions (2):

CeGaT Center for Human Genetics Tuebingen
Classification: Uncertain significance. Last evaluated: 2026-03-01. Review status: criteria provided, single submitter. Criteria: CeGaT Center For Human Genetics Tuebingen Variant Classification Criteria Version 2. Collection method: clinical testing. Allele origin: germline. Affected: yes. Observed: 1 variant allele.
Comment: PLAAT3: PM2, BP4

Ambry Genetics
Classification: Uncertain significance. Last evaluated: 2023-12-28. Review status: criteria provided, single submitter. Criteria: Ambry Variant Classification Scheme 2023. Collection method: clinical testing. Allele origin: germline.

NM_001128203.2(PLAAT3):c.254C>T (p.Ser85Leu)

Gene: PLAAT3 (phospholipase A and acyltransferase 3; minus strand). Cytogenetic location: 11q12.3.
Variant type: single nucleotide variant.
Coding change: c.254C>T on transcript NM_001128203.2 (MANE Select); coding-DNA position 254, C replaced by T.
Protein change: p.Ser85Leu; replaces serine 85 with leucine.
Molecular consequence: missense variant.
Genome position (GRCh38, 1-based): chr11:63,590,233, G>A on the plus strand (C>T on the coding strand, the complement: PLAAT3 is on the minus strand). VCF-style: chr11-63590233-G-A. GRCh37 (hg19) VCF-style: chr11-63357705-G-A.
Other names: c.254C>T, p.Ser85Leu (NM_007069.3); short protein forms S85L.
Identifiers: ClinVar variation 3214245 (VCV003214245.5), dbSNP rs141685584, ClinGen allele CA6063307.